The following is an entry in ClinVar:

ClinVar aggregate classification (germline): Likely benign (1 of 4 stars; one submission).

Submission:

CeGaT Center for Human Genetics Tuebingen
Classification: Likely benign. Last evaluated: 2025-12-01. Review status: criteria provided, single submitter. Criteria: CeGaT Center For Human Genetics Tuebingen Variant Classification Criteria Version 2. Collection method: clinical testing. Allele origin: germline. Affected: yes. Observed: 2 variant alleles.
Comment: TTN: PM2:Supporting, BP4, BP7

NM_001267550.2(TTN):c.11311+1396T>C

Gene: TTN (titin; minus strand). Cytogenetic location: 2q31.2.
Variant type: single nucleotide variant.
Coding change: c.11311+1396T>C on transcript NM_001267550.2 (MANE Select); 1396 bases into the intron after coding-DNA position 11311, T replaced by C.
Molecular consequence: intron variant. On other transcripts: synonymous variant (1).
Genome position (GRCh38, 1-based): chr2:178,751,728, A>G on the plus strand (T>C on the coding strand, the complement: TTN is on the minus strand). VCF-style: chr2-178751728-A-G. GRCh37 (hg19) VCF-style: chr2-179616455-A-G.
Other names: c.10672T>C, p.Leu3558= (NM_133379.5); c.10222+1396T>C (NM_003319.4); c.10798+1396T>C (NM_133437.4); c.10597+1396T>C (NM_133432.3); c.10360+1396T>C (NM_133378.4, NM_001256850.1).
Identifiers: ClinVar variation 4534587 (VCV004534587.6).
Genomic context (GRCh38, chr2:178,751,728, plus strand): 5'-AACTTCCAGAATCTCTGTCTTGGACCCTTTTAATCTCTAAGCTGGAAGAGTGATGGTGTA[A>G]ATCACTCTCAGCTTTTATAATCCGACGAAGACCTGTTGGGATGGGCCGATTGTTATGAAA-3'